The following is an entry in ClinVar:

NM_001330691.3(CEP78):c.778+1G>A

Gene: CEP78 (centrosomal protein 78; plus strand). Cytogenetic location: 9q21.2.
Variant type: single nucleotide variant.
Coding change: c.778+1G>A on transcript NM_001330691.3 (MANE Select); the canonical splice donor site of the intron after coding-DNA position 778, G replaced by A.
Molecular consequence: splice donor variant.
Genome position (GRCh38, 1-based): chr9:78,243,637, G>A. VCF-style: chr9-78243637-G-A. GRCh37 (hg19) VCF-style: chr9-80858553-G-A.
Other names: c.778+1G>A (NM_001349839.2, NM_001349840.2, NM_001330693.3 and 4 more transcripts).
Identifiers: ClinVar variation 837507 (VCV000837507.12), dbSNP rs1826338661, ClinGen allele CA374000763.

ClinVar aggregate classification (germline): Likely pathogenic. Review status: criteria provided, multiple submitters, no conflicts (2 of 4 stars). 2 submissions from 2 submitters: Likely pathogenic (2). Last evaluated 2022-07-26.

Conditions:
CEP78-related disorder. Also called: CEP78-related condition.

Allele frequency attached by ClinVar (database versions not stated): gnomAD exomes below 0.00001.
gnomAD v4.1: 1 of 1,611,406 alleles (0.000062%); highest among the groups gnomAD compares: Non-Finnish European, 0.000085%; no homozygotes.

Submissions (2):

Labcorp Genetics (formerly Invitae), Labcorp
Classification: Likely pathogenic. Last evaluated: 2022-07-26. Review status: criteria provided, single submitter. Criteria: Invitae Variant Classification Sherloc (09022015). Collection method: clinical testing. Allele origin: germline.
Comment: In summary, the currently available evidence indicates that the variant is pathogenic, but additional data are needed to prove that conclusively. Therefore, this variant has been classified as Likely Pathogenic. Algorithms developed to predict the effect of sequence changes on RNA splicing suggest that this variant may disrupt the consensus splice site. ClinVar contains an entry for this variant (Variation ID: 837507). Disruption of this splice site has been observed in individual(s) with hearing loss and cone rod dystrophy (Invitae). This variant is not present in population databases (gnomAD no frequency). This sequence change affects a donor splice site in intron 5 of the CEP78 gene. It is expected to disrupt RNA splicing. Variants that disrupt the donor or acceptor splice site typically lead to a loss of protein function (PMID: 16199547), and loss-of-function variants in CEP78 are known to be pathogenic (PMID: 27588451, 27588452, 27627988).

Blueprint Genetics
Classification: Likely pathogenic for CEP78-related disorders. Last evaluated: 2019-03-27. Review status: criteria provided, single submitter. Criteria: ACMG Guidelines, 2015. Collection method: clinical testing. Allele origin: germline. Affected: yes. Observed: 1 variant allele.

Literature cited by the submitters: PubMed 16199547 (cited by Labcorp Genetics (formerly Invitae), Labcorp); PubMed 27588451 (cited by Labcorp Genetics (formerly Invitae), Labcorp); PubMed 27588452 (cited by Labcorp Genetics (formerly Invitae), Labcorp); PubMed 27627988 (cited by Labcorp Genetics (formerly Invitae), Labcorp).